The following is an entry in ClinVar:

ClinVar aggregate classification (germline): Conflicting classifications of pathogenicity. Review status: criteria provided, conflicting classifications (1 of 4 stars). 2 submissions from 2 submitters: Uncertain significance (1); Likely benign (1). Last evaluated 2023-08-24.

Conditions:
Dilated cardiomyopathy 1DD (CMD1DD). Identifiers: Orphanet 154, MedGen C2750995, MONDO:0013168, OMIM 613172.
Cardiovascular phenotype. Identifiers: MedGen CN230736.

Allele frequency attached by ClinVar (database versions not stated): gnomAD exomes 0.00001; TOPMed 0.00002.
gnomAD v4.1: 13 of 1,551,590 alleles (0.00084%); highest among the groups gnomAD compares: South Asian, 0.0024%; no homozygotes.

Submissions (2):

Labcorp Genetics (formerly Invitae), Labcorp
Classification: Likely benign for Dilated cardiomyopathy 1DD. Last evaluated: 2023-08-24. Review status: criteria provided, single submitter. Criteria: Invitae Variant Classification Sherloc (09022015). Collection method: clinical testing. Allele origin: germline.

Ambry Genetics
Classification: Uncertain significance for Cardiovascular phenotype. Last evaluated: 2023-05-01. Review status: criteria provided, single submitter. Criteria: Ambry Variant Classification Scheme 2023. Collection method: clinical testing. Allele origin: germline.
Comment: The p.K280E variant (also known as c.838A>G), located in coding exon 2 of the RBM20 gene, results from an A to G substitution at nucleotide position 838. The lysine at codon 280 is replaced by glutamic acid, an amino acid with similar properties. This amino acid position is well conserved in available vertebrate species. In addition, the in silico prediction for this alteration is inconclusive. Since supporting evidence is limited at this time, the clinical significance of this alteration remains unclear.

Literature cited by the submitters: PubMed 34333030 (cited by Ambry Genetics).

NM_001134363.3(RBM20):c.838A>G (p.Lys280Glu)

Gene: RBM20 (RNA binding motif protein 20; plus strand). Cytogenetic location: 10q25.2.
Variant type: single nucleotide variant.
Coding change: c.838A>G on transcript NM_001134363.3 (MANE Select); coding-DNA position 838, A replaced by G.
Protein change: p.Lys280Glu; replaces lysine 280 with glutamic acid.
Molecular consequence: missense variant.
Genome position (GRCh38, 1-based): chr10:110,781,447, A>G. VCF-style: chr10-110781447-A-G. GRCh37 (hg19) VCF-style: chr10-112541205-A-G.
Other names: short protein forms K280E.
Identifiers: ClinVar variation 575301 (VCV000575301.11), dbSNP rs1414387984, ClinGen allele CA378383705.